The following is an entry in ClinVar:

NM_006767.4(LZTR1):c.320G>A (p.Arg107Lys)

Gene: LZTR1 (leucine zipper like post translational regulator 1; plus strand). Cytogenetic location: 22q11.21.
Variant type: single nucleotide variant.
Coding change: c.320G>A on transcript NM_006767.4 (MANE Select); coding-DNA position 320, G replaced by A.
Protein change: p.Arg107Lys; replaces arginine 107 with lysine.
Molecular consequence: missense variant.
Genome position (GRCh38, 1-based): chr22:20,985,897, G>A. VCF-style: chr22-20985897-G-A. GRCh37 (hg19) VCF-style: chr22-21340186-G-A.
Other names: short protein forms R107K.
Identifiers: ClinVar variation 1728914 (VCV001728914.6), dbSNP rs1301901369, ClinGen allele CA410778912.

ClinVar aggregate classification (germline): Uncertain significance. Review status: criteria provided, multiple submitters, no conflicts (2 of 4 stars). 3 submissions from 3 submitters: Uncertain significance (3). Last evaluated 2025-08-18.

Conditions:
Cardiovascular phenotype. Identifiers: MedGen CN230736.
Hereditary cancer-predisposing syndrome. Also called: Tumor predisposition; Neoplastic Syndromes, Hereditary; Hereditary Cancer Syndrome; Hereditary neoplastic syndrome. Identifiers: Orphanet 140162, MedGen C0027672, MeSH D009386, MONDO:0015356.

gnomAD v4.1: 1 of 1,614,112 alleles (0.000062%); highest among the groups gnomAD compares: Non-Finnish European, 0.000085%; no homozygotes.

Submissions (3):

Labcorp Genetics (formerly Invitae), Labcorp
Classification: Uncertain significance. Last evaluated: 2025-08-18. Review status: criteria provided, single submitter. Criteria: Invitae Variant Classification Sherloc (09022015). Collection method: clinical testing. Allele origin: germline.
Comment: This sequence change replaces arginine, which is basic and polar, with lysine, which is basic and polar, at codon 107 of the LZTR1 protein (p.Arg107Lys). This variant also falls at the last nucleotide of exon 3, which is part of the consensus splice site for this exon. This variant is not present in population databases (gnomAD no frequency). This variant has not been reported in the literature in individuals affected with LZTR1-related conditions. ClinVar contains an entry for this variant (Variation ID: 1728914). An algorithm developed to predict the effect of missense changes on protein structure and function (PolyPhen-2) suggests that this variant is likely to be disruptive. Variants that disrupt the consensus splice site are a relatively common cause of aberrant splicing (PMID: 17576681, 9536098). Algorithms developed to predict the effect of sequence changes on RNA splicing suggest that this variant may disrupt the consensus splice site. In summary, the available evidence is currently insufficient to determine the role of this variant in disease. Therefore, it has been classified as a Variant of Uncertain Significance.

GeneDx
Classification: Uncertain significance. Last evaluated: 2024-09-19. Review status: criteria provided, single submitter. Criteria: GeneDx Variant Classification Process June 2021. Collection method: clinical testing. Allele origin: germline. Affected: yes.
Comment: Alters the last nucleotide of the in-frame exon and is predicted to destroy the splice donor site and result in aberrant splicing, although in the absence of functional evidence the actual effect of this sequence change is unknown; In silico analysis indicates that this missense variant does not alter protein structure/function; Not observed at significant frequency in large population cohorts (gnomAD); Has not been previously published as pathogenic or benign to our knowledge

Ambry Genetics
Classification: Uncertain significance for Cardiovascular phenotype; Hereditary cancer-predisposing syndrome. Last evaluated: 2024-08-27. Review status: criteria provided, single submitter. Criteria: Ambry Variant Classification Scheme 2023. Collection method: clinical testing. Allele origin: germline.
Comment: The c.320G>A variant (also known as p.R107K), located in coding exon 3 of the LZTR1 gene, results from a G to A substitution at nucleotide position 320. The amino acid change results in arginine to lysine at codon 107, an amino acid with highly similar properties. However, this change occurs in the last base pair of coding exon 3, which makes it likely to have some effect on normal mRNA splicing. This nucleotide position is highly conserved in available vertebrate species. In silico splice site analysis predicts that this alteration will weaken the native splice donor site; however, direct evidence is insufficient at this time (Ambry internal data). Since supporting evidence is limited at this time, the clinical significance of this alteration remains unclear.

Literature cited by the submitters: PubMed 17576681 (cited by Labcorp Genetics (formerly Invitae), Labcorp); PubMed 9536098 (cited by Labcorp Genetics (formerly Invitae), Labcorp).